The following is an entry in ClinVar:

ClinVar aggregate classification (germline): Pathogenic (1 of 4 stars; one submission).

Submission:

GeneDx
Classification: Pathogenic. Last evaluated: 2024-12-10. Review status: criteria provided, single submitter. Criteria: GeneDx Variant Classification Process June 2021. Collection method: clinical testing. Allele origin: germline. Affected: yes.
Comment: Nonsense variant predicted to result in protein truncation or nonsense mediated decay in a gene for which loss of function is a known mechanism of disease; Not observed at significant frequency in large population cohorts (gnomAD); De novo variant with confirmed parentage in a patient with intellectual disability; however, another de novo variant in a different gene was also identified (PMID: 23033978); This variant is associated with the following publications: (PMID: 28191890, 35982159, 24896178, 23033978)

NM_001040142.2(SCN2A):c.4193G>A (p.Trp1398Ter)

Gene: SCN2A (sodium voltage-gated channel alpha subunit 2; plus strand). Cytogenetic location: 2q24.3.
Variant type: single nucleotide variant.
Coding change: c.4193G>A on transcript NM_001040142.2 (MANE Select); coding-DNA position 4193, G replaced by A.
Protein change: p.Trp1398Ter; replaces tryptophan 1398 with a stop codon.
Molecular consequence: nonsense.
Genome position (GRCh38, 1-based): chr2:165,374,905, G>A. VCF-style: chr2-165374905-G-A. GRCh37 (hg19) VCF-style: chr2-166231415-G-A.
Other names: c.4193G>A, p.Trp1398Ter (NM_001040143.2, NM_001371246.1, NM_001371247.1 and 1 more transcripts); short protein forms W1398*.
Identifiers: ClinVar variation 3903153 (VCV003903153.1).